The following is an entry in ClinVar:

ClinVar aggregate classification (germline): Uncertain significance (1 of 4 stars; one submission).

Conditions:
RASopathy. Also called: rasopathies; Noonan spectrum disorder. Identifiers: Orphanet 536391, MedGen C5555857, MONDO:0021060.

gnomAD v4.1: 2 of 1,614,138 alleles (0.00012%); highest among the groups gnomAD compares: South Asian, 0.0011%; no homozygotes.

Submission:

Labcorp Genetics (formerly Invitae), Labcorp
Classification: Uncertain significance for RASopathy. Last evaluated: 2024-12-08. Review status: criteria provided, single submitter. Criteria: Invitae Variant Classification Sherloc (09022015). Collection method: clinical testing. Allele origin: germline.
Comment: This sequence change replaces histidine, which is basic and polar, with tyrosine, which is neutral and polar, at codon 618 of the CBL protein (p.His618Tyr). This variant is not present in population databases (gnomAD no frequency). This variant has not been reported in the literature in individuals affected with CBL-related conditions. Invitae Evidence Modeling of protein sequence and biophysical properties (such as structural, functional, and spatial information, amino acid conservation, physicochemical variation, residue mobility, and thermodynamic stability) indicates that this missense variant is not expected to disrupt CBL protein function with a negative predictive value of 95%. In summary, the available evidence is currently insufficient to determine the role of this variant in disease. Therefore, it has been classified as a Variant of Uncertain Significance.

NM_005188.4(CBL):c.1852C>T (p.His618Tyr)

Gene: CBL (Cbl proto-oncogene; plus strand). Cytogenetic location: 11q23.3.
Variant type: single nucleotide variant.
Coding change: c.1852C>T on transcript NM_005188.4 (MANE Select); coding-DNA position 1852, C replaced by T.
Protein change: p.His618Tyr; replaces histidine 618 with tyrosine.
Molecular consequence: missense variant.
Genome position (GRCh38, 1-based): chr11:119,285,477, C>T. VCF-style: chr11-119285477-C-T. GRCh37 (hg19) VCF-style: chr11-119156187-C-T.
Other names: short protein forms H618Y.
Identifiers: ClinVar variation 3671211 (VCV003671211.2).
Genomic context (GRCh38, chr11:119,285,477, plus strand): 5'-GTACCAGTATCTGCCCCAAGTTCCAGTGATCCCTGGACAGGAAGAGAATTAACCAACCGG[C>T]ACTCACTTCCATTTTCATTGCCCTCACAAATGGAGCCCAGACCAGATGTGCCTAGGCTCG-3'
Protein context (NP_005179.2, residues 608-628): PWTGRELTNR[His618Tyr]SLPFSLPSQM